The following is an entry in ClinVar:

ClinVar aggregate classification (germline): Uncertain significance (1 of 4 stars; one submission).

gnomAD v4.1: 4 of 1,205,719 alleles (0.00033%); highest among the groups gnomAD compares: Middle Eastern, 0.023%; no homozygotes.

Submission:

Women's Health and Genetics/Laboratory Corporation of America, LabCorp
Classification: Uncertain significance. Last evaluated: 2024-10-23. Review status: criteria provided, single submitter. Criteria: LabCorp Variant Classification Summary - May 2015. Collection method: clinical testing. Allele origin: germline.
Comment: Variant summary: CUL4B c.20G>T (p.Gly7Val) results in a non-conservative amino acid change in the encoded protein sequence. Three of four in-silico tools predict a benign effect of the variant on protein function. The variant was absent in 183519 control chromosomes. The available data on variant occurrences in the general population are insufficient to allow any conclusion about variant significance. To our knowledge, no occurrence of c.20G>T in individuals affected with X-linked intellectual disability Cabezas type and no experimental evidence demonstrating its impact on protein function have been reported. No submitters have cited clinical-significance assessments for this variant to ClinVar. Based on the evidence outlined above, the variant was classified as uncertain significance.

NM_003588.4(CUL4B):c.20G>T (p.Gly7Val)

Gene: CUL4B (cullin 4B; minus strand). Cytogenetic location: Xq24.
Variant type: single nucleotide variant.
Coding change: c.20G>T on transcript NM_003588.4; coding-DNA position 20, G replaced by T.
Protein change: p.Gly7Val; replaces glycine 7 with valine.
Molecular consequence: missense variant.
Genome position (GRCh38, 1-based): chrX:120,574,598, C>A on the plus strand (G>T on the coding strand, the complement: CUL4B is on the minus strand). VCF-style: chrX-120574598-C-A. GRCh37 (hg19) VCF-style: chrX-119708453-C-A.
Other names: short protein forms G7V.
Identifiers: ClinVar variation 3385132 (VCV003385132.1).